The following is an entry in ClinVar:

NM_032043.3(BRIP1):c.3356G>C (p.Arg1119Thr)

Gene: BRIP1 (BRCA1 interacting DNA helicase 1; minus strand). Cytogenetic location: 17q23.2.
Variant type: single nucleotide variant.
Coding change: c.3356G>C on transcript NM_032043.3 (MANE Select); coding-DNA position 3356, G replaced by C.
Protein change: p.Arg1119Thr; replaces arginine 1119 with threonine.
Molecular consequence: missense variant.
Genome position (GRCh38, 1-based): chr17:61,683,690, C>G on the plus strand (G>C on the coding strand, the complement: BRIP1 is on the minus strand). VCF-style: chr17-61683690-C-G. GRCh37 (hg19) VCF-style: chr17-59761051-C-G.
Other names: short protein forms R1119T.
Identifiers: ClinVar variation 2950154 (VCV002950154.4), dbSNP rs2061310147, ClinGen allele CA400478910.
Genomic context (GRCh38, chr17:61,683,690, plus strand): 5'-GGATCATAAAGTTCAGGTGTAAAATAGATAGATTCATCTTCTGCTTCTGTTTCAAAATCT[C>G]TATTTGAAGTGGACTGTTTATCTTCTTCACTTACTAGAGACAATTCAATGTCTGGATCCA-3'
Protein context (NP_114432.2, residues 1109-1129): SEEDKQSTSN[Arg1119Thr]DFETEAEDES

ClinVar aggregate classification (germline): Uncertain significance. Review status: criteria provided, multiple submitters, no conflicts (2 of 4 stars). 2 submissions from 2 submitters: Uncertain significance (2). Last evaluated 2025-08-02.

Conditions:
Hereditary cancer-predisposing syndrome. Also called: Hereditary neoplastic syndrome; Neoplastic Syndromes, Hereditary; Tumor predisposition; Hereditary Cancer Syndrome. Identifiers: Orphanet 140162, MedGen C0027672, MeSH D009386, MONDO:0015356.
Fanconi anemia complementation group J. Also called: BRIP1-Related Fanconi Anemia. Identifiers: Orphanet 84, MedGen C1836860, MONDO:0012187, OMIM 609054.
Familial cancer of breast. Also called: BREAST CANCER, FAMILIAL; Hereditary breast cancer; hereditary breast carcinoma. Identifiers: Orphanet 227535, MedGen C0346153, MONDO:0016419, OMIM 114480. Disease mechanism: loss of function.

Submissions (2):

Ambry Genetics
Classification: Uncertain significance for Hereditary cancer-predisposing syndrome. Last evaluated: 2025-08-02. Review status: criteria provided, single submitter. Criteria: Ambry Variant Classification Scheme 2023. Collection method: clinical testing. Allele origin: germline.
Comment: The p.R1119T variant (also known as c.3356G>C), located in coding exon 19 of the BRIP1 gene, results from a G to C substitution at nucleotide position 3356. The arginine at codon 1119 is replaced by threonine, an amino acid with similar properties. This amino acid position is conserved. In addition, this alteration is predicted to be tolerated by in silico analysis. Based on the available evidence, the clinical significance of this variant remains unclear.

Labcorp Genetics (formerly Invitae), Labcorp
Classification: Uncertain significance for Familial cancer of breast; Fanconi anemia complementation group J. Last evaluated: 2024-11-18. Review status: criteria provided, single submitter. Criteria: Invitae Variant Classification Sherloc (09022015). Collection method: clinical testing. Allele origin: germline.
Comment: This sequence change replaces arginine, which is basic and polar, with threonine, which is neutral and polar, at codon 1119 of the BRIP1 protein (p.Arg1119Thr). This variant is not present in population databases (gnomAD no frequency). This variant has not been reported in the literature in individuals affected with BRIP1-related conditions. ClinVar contains an entry for this variant (Variation ID: 2950154). Invitae Evidence Modeling of protein sequence and biophysical properties (such as structural, functional, and spatial information, amino acid conservation, physicochemical variation, residue mobility, and thermodynamic stability) indicates that this missense variant is not expected to disrupt BRIP1 protein function with a negative predictive value of 95%. In summary, the available evidence is currently insufficient to determine the role of this variant in disease. Therefore, it has been classified as a Variant of Uncertain Significance.